The following is an entry in ClinVar:

NM_001244008.2(KIF1A):c.3593G>A (p.Arg1198Lys)

Gene: KIF1A (kinesin family member 1A; minus strand). Cytogenetic location: 2q37.3.
Variant type: single nucleotide variant.
Coding change: c.3593G>A on transcript NM_001244008.2 (MANE Select); coding-DNA position 3593, G replaced by A.
Protein change: p.Arg1198Lys; replaces arginine 1198 with lysine.
Molecular consequence: missense variant.
Genome position (GRCh38, 1-based): chr2:240,742,976, C>T on the plus strand (G>A on the coding strand, the complement: KIF1A is on the minus strand). VCF-style: chr2-240742976-C-T. GRCh37 (hg19) VCF-style: chr2-241682393-C-T.
Other names: c.3317G>A, p.Arg1106Lys (NM_001320705.2, NM_001330289.2, NM_001379638.1); c.3392G>A, p.Arg1131Lys (NM_001330290.2, NM_001379634.1, NM_001379635.1 and 1 more transcripts); c.3668G>A, p.Arg1223Lys (NM_001379631.1); c.3542G>A, p.Arg1181Lys (NM_001379632.1); c.3566G>A, p.Arg1189Lys (NM_001379633.1, NM_001379642.1, NM_001379645.1); c.3290G>A, p.Arg1097Lys (NM_001379636.1, NM_001379639.1, NM_001379641.1 and 5 more transcripts); c.3365G>A, p.Arg1122Lys (NM_001379637.1, NM_001379648.1); c.3287G>A, p.Arg1096Lys (NM_001379640.1); short protein forms R1096K, R1097K, R1106K, R1122K, R1131K, R1181K, R1189K, R1198K.
Identifiers: ClinVar variation 1307589 (VCV001307589.3), dbSNP rs1301276540, ClinGen allele CA351316466.

ClinVar aggregate classification (germline): Uncertain significance (1 of 4 stars; one submission).

Allele frequency attached by ClinVar (database versions not stated): gnomAD exomes below 0.00001.
gnomAD v4.1: 1 of 1,610,106 alleles (0.000062%); highest among the groups gnomAD compares: Admixed American, 0.0017%; no homozygotes.

Submission:

GeneDx
Classification: Uncertain significance. Last evaluated: 2023-03-16. Review status: criteria provided, single submitter. Criteria: GeneDx Variant Classification Process June 2021. Collection method: clinical testing. Allele origin: germline. Affected: yes.
Comment: In silico analysis, which includes protein predictors and evolutionary conservation, supports that this variant does not alter protein structure/function; Has not been previously published as pathogenic or benign to our knowledge